The following is an entry in ClinVar:

ClinVar aggregate classification (germline): Uncertain significance. Review status: criteria provided, multiple submitters, no conflicts (2 of 4 stars). 3 submissions from 3 submitters: Uncertain significance (3). Last evaluated 2026-02-21.

Conditions:
Inborn genetic diseases. Identifiers: MedGen C0950123, MeSH D030342.
Baller-Gerold syndrome (BGS). Also called: CRANIOSYNOSTOSIS WITH RADIAL DEFECTS. Identifiers: Orphanet 1225, MedGen C0265308, MONDO:0009039, OMIM 218600.

Allele frequency attached by ClinVar (database versions not stated): gnomAD exomes below 0.00001; TOPMed below 0.00001.
gnomAD v4.1: 2 of 1,609,846 alleles (0.00012%); highest among the groups gnomAD compares: Middle Eastern, 0.017%; no homozygotes.

Submissions (3):

Ambry Genetics
Classification: Uncertain significance for Inborn genetic diseases. Last evaluated: 2026-02-21. Review status: criteria provided, single submitter. Criteria: Ambry Variant Classification Scheme 2023. Collection method: clinical testing. Allele origin: germline.
Comment: The p.A736T variant (also known as c.2206G>A), located in coding exon 14 of the RECQL4 gene, results from a G to A substitution at nucleotide position 2206. The alanine at codon 736 is replaced by threonine, an amino acid with similar properties. This amino acid position is conserved. In addition, this alteration is predicted to be tolerated by in silico analysis. Based on the available evidence, the clinical significance of this variant remains unclear.

Labcorp Genetics (formerly Invitae), Labcorp
Classification: Uncertain significance for Baller-Gerold syndrome. Last evaluated: 2021-05-20. Review status: criteria provided, single submitter. Criteria: Invitae Variant Classification Sherloc (09022015). Collection method: clinical testing. Allele origin: germline.
Comment: In summary, the available evidence is currently insufficient to determine the role of this variant in disease. Therefore, it has been classified as a Variant of Uncertain Significance. This variant has not been reported in the literature in individuals with RECQL4-related conditions. ClinVar contains an entry for this variant (Variation ID: 218626). This sequence change replaces alanine with threonine at codon 736 of the RECQL4 protein (p.Ala736Thr). The alanine residue is moderately conserved and there is a small physicochemical difference between alanine and threonine. This variant is not present in population databases (ExAC no frequency). Experimental studies and prediction algorithms are not available or were not evaluated, and the functional significance of this variant is currently unknown.

Genomic Diagnostic Laboratory, Division of Genomic Diagnostics, Children's Hospital of Philadelphia
Classification: Uncertain significance. Last evaluated: 2015-03-06. Review status: criteria provided, single submitter. Criteria: DGD Variant Analysis Guidelines. Collection method: clinical testing. Allele origin: unknown.

NM_004260.4(RECQL4):c.2206G>A (p.Ala736Thr)

Gene: RECQL4 (RecQ like helicase 4; minus strand). Cytogenetic location: 8q24.3.
Variant type: single nucleotide variant.
Coding change: c.2206G>A on transcript NM_004260.4 (MANE Select); coding-DNA position 2206, G replaced by A.
Protein change: p.Ala736Thr; replaces alanine 736 with threonine.
Molecular consequence: missense variant.
Genome position (GRCh38, 1-based): chr8:144,513,475, C>T on the plus strand (G>A on the coding strand, the complement: RECQL4 is on the minus strand). VCF-style: chr8-144513475-C-T. GRCh37 (hg19) VCF-style: chr8-145738859-C-T.
Other names: short protein forms A736T.
Identifiers: ClinVar variation 218626 (VCV000218626.8), dbSNP rs864309583, ClinGen allele CA249091.
Genomic context (GRCh38, chr8:144,513,475, plus strand): 5'-CCCGCCGCCGTTCCCGGCTGCACATGCCCGCGTGGTAGGCCTCGGCTGTGGTTTTGGGGG[C>T]ACGACCTTTGGGGAAGACAGGCAGATGGTCAGTGGGATGGGACCATGTGTGCCCAAGGTG-3'
Protein context (NP_004251.4, residues 726-746): AAWVPGSGGR[Ala736Thr]PKTTAEAYHA